The following is an entry in ClinVar:

ClinVar aggregate classification (germline): Likely benign (1 of 4 stars; one submission).

Submission:

GeneDx
Classification: Likely benign. Last evaluated: 2018-01-11. Review status: criteria provided, single submitter. Criteria: GeneDx Variant Classification (06012015). Collection method: clinical testing. Allele origin: germline. Affected: yes.
Comment: This variant is considered likely benign or benign based on one or more of the following criteria: it is a conservative change, it occurs at a poorly conserved position in the protein, it is predicted to be benign by multiple in silico algorithms, and/or has population frequency not consistent with disease.

NM_001267550.2(TTN):c.88186A>C (p.Ile29396Leu)

Genes: TTN (titin; minus strand), TTN-AS1 (TTN antisense RNA 1; plus strand). Cytogenetic location: 2q31.2.
Variant type: single nucleotide variant.
Coding change: c.88186A>C on transcript NM_001267550.2 (MANE Select); coding-DNA position 88186, A replaced by C.
Protein change: p.Ile29396Leu; replaces isoleucine 29396 with leucine.
Molecular consequence: missense variant.
Genome position (GRCh38, 1-based): chr2:178,556,968, T>G on the plus strand (A>C on the coding strand, the complement: TTN is on the minus strand). VCF-style: chr2-178556968-T-G. GRCh37 (hg19) VCF-style: chr2-179421695-T-G.
Other names: c.83263A>C, p.Ile27755Leu (NM_001256850.1); c.60991A>C, p.Ile20331Leu (NM_003319.4); c.80482A>C, p.Ile26828Leu (NM_133378.4); c.61366A>C, p.Ile20456Leu (NM_133432.3); c.61567A>C, p.Ile20523Leu (NM_133437.4); short protein forms I27755L, I29396L, I20331L, I20523L, I20456L, I26828L.
Identifiers: ClinVar variation 514621 (VCV000514621.1), dbSNP rs1553551617, ClinGen allele CA349530994.